The following is an entry in ClinVar:

ClinVar aggregate classification (germline): Uncertain significance. Review status: criteria provided, multiple submitters, no conflicts (2 of 4 stars). 2 submissions from 2 submitters: Uncertain significance (2). Last evaluated 2025-08-10.

Conditions:
Cardiovascular phenotype. Identifiers: MedGen CN230736.
Hypertrophic cardiomyopathy. Also called: HYPERTROPHIC MYOCARDIOPATHY. Identifiers: Orphanet 217569, MedGen C0007194, MeSH D002312, MONDO:0005045, HP:0001639.

Allele frequency attached by ClinVar (database versions not stated): gnomAD exomes 0.00001.
gnomAD v4.1: 9 of 1,608,406 alleles (0.00056%); highest among the groups gnomAD compares: East Asian, 0.0022%; no homozygotes.

Submissions (2):

Ambry Genetics
Classification: Uncertain significance for Cardiovascular phenotype. Last evaluated: 2025-08-10. Review status: criteria provided, single submitter. Criteria: Ambry Variant Classification Scheme 2023. Collection method: clinical testing. Allele origin: germline.

Labcorp Genetics (formerly Invitae), Labcorp
Classification: Uncertain significance for Hypertrophic cardiomyopathy. Last evaluated: 2019-09-25. Review status: criteria provided, single submitter. Criteria: Invitae Variant Classification Sherloc (09022015). Collection method: clinical testing. Allele origin: germline.
Comment: This sequence change replaces isoleucine with valine at codon 627 of the JPH2 protein (p.Ile627Val). The isoleucine residue is weakly conserved and there is a small physicochemical difference between isoleucine and valine. This variant is not present in population databases (ExAC no frequency). This variant has not been reported in the literature in individuals with JPH2-related conditions. Algorithms developed to predict the effect of missense changes on protein structure and function (SIFT, PolyPhen-2, Align-GVGD) all suggest that this variant is likely to be tolerated, but these predictions have not been confirmed by published functional studies and their clinical significance is uncertain. In summary, the available evidence is currently insufficient to determine the role of this variant in disease. Therefore, it has been classified as a Variant of Uncertain Significance.

NM_020433.5(JPH2):c.1879A>G (p.Ile627Val)

Gene: JPH2 (junctophilin 2; minus strand). Cytogenetic location: 20q13.12.
Variant type: single nucleotide variant.
Coding change: c.1879A>G on transcript NM_020433.5 (MANE Select); coding-DNA position 1879, A replaced by G.
Protein change: p.Ile627Val; replaces isoleucine 627 with valine.
Molecular consequence: missense variant.
Genome position (GRCh38, 1-based): chr20:44,115,796, T>C on the plus strand (A>G on the coding strand, the complement: JPH2 is on the minus strand). VCF-style: chr20-44115796-T-C. GRCh37 (hg19) VCF-style: chr20-42744436-T-C.
Other names: short protein forms I627V.
Identifiers: ClinVar variation 954305 (VCV000954305.2), dbSNP rs1259877706, ClinGen allele CA409099760.
Genomic context (GRCh38, chr20:44,115,796, plus strand): 5'-TGGTCAGCCCTCGAGCCTCAGTCTTGCGGGCCTTGGCCCTGGGCTCGGCTTTGGGGATGA[T>C]GGGCTTGGGCTCCAGCTTGGCGGGGGTCTCGCGTGCAGGCTCGGGGCCTCGGAGCGTGGG-3'
Protein context (NP_065166.2, residues 617-637): ETPAKLEPKP[Ile627Val]IPKAEPRAKA